The following is an entry in ClinVar:

NM_002474.3(MYH11):c.4554C>T (p.Ser1518=)

Genes: NDE1 (nudE neurodevelopment protein 1; plus strand), MYH11 (myosin heavy chain 11; minus strand). Cytogenetic location: 16p13.11.
Variant type: single nucleotide variant.
Coding change: c.4554C>T on transcript NM_002474.3 (MANE Select); coding-DNA position 4554, C replaced by T.
Protein change: p.Ser1518=; no amino-acid change (serine 1518 retained).
Molecular consequence: synonymous variant. On other transcripts: intron variant (2).
Genome position (GRCh38, 1-based): chr16:15,721,446, G>A on the plus strand (C>T on the coding strand, the complement: MYH11 is on the minus strand). VCF-style: chr16-15721446-G-A. GRCh37 (hg19) VCF-style: chr16-15815303-G-A.
Other names: c.4575C>T, p.Ser1525= (NM_001040113.2, NM_001040114.2); c.4554C>T, p.Ser1518= (NM_022844.3); c.948-2745G>A (NM_001143979.2, NM_017668.3).
Identifiers: ClinVar variation 2116782 (VCV002116782.5), dbSNP rs2506126111, ClinGen allele CA494087600.

ClinVar aggregate classification (germline): Likely benign. Review status: criteria provided, multiple submitters, no conflicts (2 of 4 stars). 2 submissions from 2 submitters: Likely benign (2). Last evaluated 2023-10-02.

Conditions:
Familial thoracic aortic aneurysm and aortic dissection (TAAD). Also called: Thoracic aortic aneurysms and dissections. Identifiers: Orphanet 91387, MedGen C4707243, MONDO:0019625.
Aortic aneurysm, familial thoracic 4 (AAT4). Also called: AORTIC ANEURYSM/AORTIC DISSECTION AND PATENT DUCTUS ARTERIOSUS. Identifiers: MedGen C1851504, MONDO:0007568, OMIM 132900.

Submissions (2):

All of Us Research Program, National Institutes of Health
Classification: Likely benign for Familial thoracic aortic aneurysm and aortic dissection. Last evaluated: 2023-10-02. Review status: criteria provided, single submitter. Criteria: ACMG Guidelines, 2015. Collection method: clinical testing. Allele origin: germline. Inheritance: Autosomal dominant inheritance. Observed: 1 variant allele, 1 heterozygote.
Comment: This study involves interpretation of variants in research participants for the purpose of population health screening. Participant phenotype was not available at the time of variant classification. Additional details can be found in publication PMID: 35346344, PMCID: PMC8962531

Labcorp Genetics (formerly Invitae), Labcorp
Classification: Likely benign for Aortic aneurysm, familial thoracic 4. Last evaluated: 2022-03-25. Review status: criteria provided, single submitter. Criteria: Invitae Variant Classification Sherloc (09022015). Collection method: clinical testing. Allele origin: germline.